The following is an entry in ClinVar:

NM_015338.6(ASXL1):c.3539A>G (p.Asp1180Gly)

Gene: ASXL1 (ASXL transcriptional regulator 1; plus strand). Cytogenetic location: 20q11.21.
Variant type: single nucleotide variant.
Coding change: c.3539A>G on transcript NM_015338.6 (MANE Select); coding-DNA position 3539, A replaced by G.
Protein change: p.Asp1180Gly; replaces aspartic acid 1180 with glycine.
Molecular consequence: missense variant.
Genome position (GRCh38, 1-based): chr20:32,436,251, A>G. VCF-style: chr20-32436251-A-G. GRCh37 (hg19) VCF-style: chr20-31024054-A-G.
Other names: c.3356A>G, p.Asp1119Gly (NM_001363734.1); c.3539A>G (NM_015338.5); short protein forms D1180G, D1119G.
Identifiers: ClinVar variation 1378558 (VCV001378558.9), dbSNP rs746200411, ClinGen allele CA9808848.
Genomic context (GRCh38, chr20:32,436,251, plus strand): 5'-GCATGGTTGATGGAAGCAGCCCCAGTTCTTTAAGGGCTTTGAAGGAGCCTCTTCTGCCAG[A>G]TAGCTGTGAAACAGGCACTGGTCTTGCCAGGATTGAGGCCACCCAGGCTCCTGGAGCACC-3'
Protein context (NP_056153.2, residues 1170-1190): LRALKEPLLP[Asp1180Gly]SCETGTGLAR

ClinVar aggregate classification (germline): Uncertain significance. Review status: criteria provided, multiple submitters, no conflicts (2 of 4 stars). 2 submissions from 2 submitters: Uncertain significance (2). Last evaluated 2025-11-16.

Conditions:
Inborn genetic diseases. Identifiers: MedGen C0950123, MeSH D030342.

Allele frequency attached by ClinVar (database versions not stated): gnomAD exomes below 0.00001; TOPMed below 0.00001; ExAC 0.00001.
gnomAD v4.1: 6 of 1,614,242 alleles (0.00037%); highest among the groups gnomAD compares: East Asian, 0.0067%; no homozygotes.

Submissions (2):

Ambry Genetics
Classification: Uncertain significance for Inborn genetic diseases. Last evaluated: 2025-11-16. Review status: criteria provided, single submitter. Criteria: Ambry Variant Classification Scheme 2023. Collection method: clinical testing. Allele origin: germline.
Comment: The p.D1180G variant (also known as c.3539A>G), located in coding exon 13 of the ASXL1 gene, results from an A to G substitution at nucleotide position 3539. The aspartic acid at codon 1180 is replaced by glycine, an amino acid with similar properties. This amino acid position is conserved. In addition, this alteration is predicted to be tolerated by in silico analysis. Based on the available evidence, the clinical significance of this variant remains unclear.

Labcorp Genetics (formerly Invitae), Labcorp
Classification: Uncertain significance. Last evaluated: 2021-04-08. Review status: criteria provided, single submitter. Criteria: Invitae Variant Classification Sherloc (09022015). Collection method: clinical testing. Allele origin: germline.
Comment: In summary, the available evidence is currently insufficient to determine the role of this variant in disease. Therefore, it has been classified as a Variant of Uncertain Significance. Algorithms developed to predict the effect of sequence changes on RNA splicing suggest that this variant may create or strengthen a splice site, but this prediction has not been confirmed by published transcriptional studies. Algorithms developed to predict the effect of missense changes on protein structure and function (SIFT, PolyPhen-2, Align-GVGD) all suggest that this variant is likely to be tolerated, but these predictions have not been confirmed by published functional studies and their clinical significance is uncertain. This variant has not been reported in the literature in individuals with ASXL1-related conditions. This variant is present in population databases (rs746200411, ExAC 0.001%). This sequence change replaces aspartic acid with glycine at codon 1180 of the ASXL1 protein (p.Asp1180Gly). The aspartic acid residue is weakly conserved and there is a moderate physicochemical difference between aspartic acid and glycine.